The following is an entry in ClinVar:

NM_000083.3(CLCN1):c.1064+6del

Gene: CLCN1 (chloride voltage-gated channel 1; plus strand). Cytogenetic location: 7q34.
Variant type: Deletion.
Coding change: c.1064+6del on transcript NM_000083.3 (MANE Select); 6 bases into the intron after coding-DNA position 1064, one base deleted (T; older notation c.1064+6delT).
Molecular consequence: intron variant.
Genome position (GRCh38, 1-based): chr7:143,331,322, T deleted. VCF-style (leftmost placement, unchanged base first): chr7-143331321-GT-G. GRCh37 (hg19) VCF-style: chr7-143028414-GT-G.
Identifiers: ClinVar variation 1523030 (VCV001523030.6), dbSNP rs1482886131, ClinGen allele CA834512538.

ClinVar aggregate classification (germline): Uncertain significance (1 of 4 stars; one submission).

Conditions:
Congenital myotonia, autosomal dominant form (THD). Also called: THOMSEN DISEASE; Myotonia congenita autosomal dominant. Identifiers: Orphanet 614, MedGen C2936781, MONDO:0008055, OMIM 160800.
Congenital myotonia, autosomal recessive form. Also called: myotonia congenita, autosomal recessive; BECKER DISEASE; Becker Generalized Myotonia. Identifiers: Orphanet 614, MedGen C0751360, MONDO:0009715, OMIM 255700.

Submission:

Labcorp Genetics (formerly Invitae), Labcorp
Classification: Uncertain significance for Congenital myotonia, autosomal recessive form; Congenital myotonia, autosomal dominant form. Last evaluated: 2022-07-25. Review status: criteria provided, single submitter. Criteria: Invitae Variant Classification Sherloc (09022015). Collection method: clinical testing. Allele origin: germline.
Comment: This sequence change falls in intron 9 of the CLCN1 gene. It does not directly change the encoded amino acid sequence of the CLCN1 protein. It affects a nucleotide within the consensus splice site. This variant is not present in population databases (gnomAD no frequency). This variant has not been reported in the literature in individuals affected with CLCN1-related conditions. ClinVar contains an entry for this variant (Variation ID: 1523030). Variants that disrupt the consensus splice site are a relatively common cause of aberrant splicing (PMID: 17576681, 9536098). Algorithms developed to predict the effect of sequence changes on RNA splicing suggest that this variant may disrupt the consensus splice site. In summary, the available evidence is currently insufficient to determine the role of this variant in disease. Therefore, it has been classified as a Variant of Uncertain Significance.

Literature cited by the submitters: PubMed 17576681; PubMed 9536098.